The following is an entry in ClinVar:

ClinVar aggregate classification (germline): Uncertain significance (1 of 4 stars; one submission).

Conditions:
Agammaglobulinemia 7, autosomal recessive (AGM7). Also called: AGAMMAGLOBULINEMIA, AUTOSOMAL RECESSIVE, DUE TO PIK3R1 DEFECT. Identifiers: MedGen C3554689, MONDO:0014083, OMIM 615214.
SHORT syndrome. Also called: LIPODYSTROPHY, PARTIAL, WITH RIEGER ANOMALY AND SHORT STATURE; SHORT STATURE, HYPEREXTENSIBILITY, HERNIA, OCULAR DEPRESSION, RIEGER ANOMALY, AND TEETHING DELAY; PIK3R1-Related SHORT Syndrome. Identifiers: Orphanet 3163, MedGen C0878684, MONDO:0010026, OMIM 269880.
Immunodeficiency 36 with lymphoproliferation. Also called: Activated PI3K Delta Syndrome Type 2 (APDS2); Immunodeficiency 36; ACTIVATED PI3K-DELTA SYNDROME 2. Identifiers: Orphanet 397596, Orphanet 693681, MedGen C4014934, MONDO:0014453, OMIM 616005.

Submission:

Labcorp Genetics (formerly Invitae), Labcorp
Classification: Uncertain significance for SHORT syndrome; Immunodeficiency 36 with lymphoproliferation; Agammaglobulinemia 7, autosomal recessive. Last evaluated: 2022-03-03. Review status: criteria provided, single submitter. Criteria: Invitae Variant Classification Sherloc (09022015). Collection method: clinical testing. Allele origin: germline.
Comment: In summary, the available evidence is currently insufficient to determine the role of this variant in disease. Therefore, it has been classified as a Variant of Uncertain Significance. Algorithms developed to predict the effect of missense changes on protein structure and function (SIFT, PolyPhen-2, Align-GVGD) all suggest that this variant is likely to be tolerated. ClinVar contains an entry for this variant (Variation ID: 848444). This variant has not been reported in the literature in individuals affected with PIK3R1-related conditions. This variant is not present in population databases (gnomAD no frequency). This sequence change replaces arginine, which is basic and polar, with leucine, which is neutral and non-polar, at codon 503 of the PIK3R1 protein (p.Arg503Leu).

NM_181523.3(PIK3R1):c.1508G>T (p.Arg503Leu)

Gene: PIK3R1 (phosphoinositide-3-kinase regulatory subunit 1; plus strand). Cytogenetic location: 5q13.1.
Variant type: single nucleotide variant.
Coding change: c.1508G>T on transcript NM_181523.3 (MANE Select); coding-DNA position 1508, G replaced by T.
Protein change: p.Arg503Leu; replaces arginine 503 with leucine.
Molecular consequence: missense variant.
Genome position (GRCh38, 1-based): chr5:68,294,618, G>T. VCF-style: chr5-68294618-G-T. GRCh37 (hg19) VCF-style: chr5-67590446-G-T.
Other names: c.419G>T, p.Arg140Leu (NM_001242466.2); c.698G>T, p.Arg233Leu (NM_181504.4); c.608G>T, p.Arg203Leu (NM_181524.2); short protein forms R140L, R233L, R203L, R503L.
Identifiers: ClinVar variation 848444 (VCV000848444.10), dbSNP rs765178503, ClinGen allele CA359881871.